The following is an entry in ClinVar:

NM_182931.3(KMT2E):c.3406_3409del (p.Thr1136fs)

Gene: KMT2E (lysine methyltransferase 2E (inactive); plus strand). Cytogenetic location: 7q22.3.
Variant type: Deletion.
Coding change: c.3406_3409del on transcript NM_182931.3 (MANE Select); coding-DNA positions 3406 to 3409, 4 bases deleted (ACTG; older notation c.3406_3409delACTG).
Protein change: p.Thr1136fs; shifts the reading frame from threonine 1136.
Molecular consequence: frameshift variant.
Genome position (GRCh38, 1-based): chr7:105,107,863-105,107,866, ACTG deleted; deleting any 4 consecutive bases within chr7:105,107,862-105,107,866 gives the same sequence; the c. name uses the placement nearest the transcript's 3' end. VCF-style (leftmost placement, unchanged base first): chr7-105107861-GGACT-G. GRCh37 (hg19) VCF-style: chr7-104748308-GGACT-G.
Other names: c.3406_3409del, p.Thr1136fs (NM_001410908.1, NM_018682.4); short protein forms T1136fs.
Identifiers: ClinVar variation 2782781 (VCV002782781.3), dbSNP rs2536510853, ClinGen allele CA2739277814.

ClinVar aggregate classification (germline): Pathogenic (1 of 4 stars; one submission).

Submission:

Labcorp Genetics (formerly Invitae), Labcorp
Classification: Pathogenic. Last evaluated: 2023-05-02. Review status: criteria provided, single submitter. Criteria: Invitae Variant Classification Sherloc (09022015). Collection method: clinical testing. Allele origin: germline.
Comment: This variant has not been reported in the literature in individuals affected with KMT2E-related conditions. This variant is not present in population databases (gnomAD no frequency). This sequence change creates a premature translational stop signal (p.Thr1136Leufs*5) in the KMT2E gene. It is expected to result in an absent or disrupted protein product. Loss-of-function variants in KMT2E are known to be pathogenic (PMID: 31079897). Algorithms developed to predict the effect of sequence changes on RNA splicing suggest that this variant may create or strengthen a splice site. For these reasons, this variant has been classified as Pathogenic.

Literature cited by the submitters: PubMed 31079897.